The following is an entry in ClinVar:

NM_000642.3(AGL):c.2308+16A>G

Gene: AGL (amylo-alpha-1, 6-glucosidase, 4-alpha-glucanotransferase; plus strand). Cytogenetic location: 1p21.2.
Variant type: single nucleotide variant.
Coding change: c.2308+16A>G on transcript NM_000642.3 (MANE Select); 16 bases into the intron after coding-DNA position 2308, A replaced by G.
Molecular consequence: intron variant.
Genome position (GRCh38, 1-based): chr1:99,881,707, A>G. VCF-style: chr1-99881707-A-G. GRCh37 (hg19) VCF-style: chr1-100347263-A-G.
Other names: c.2308+16A>G (NM_000643.3, NM_000644.3, NM_001425326.1 and 2 more transcripts); c.2260+16A>G (NM_000646.3); c.2107+16A>G (NM_001425327.1); c.2104+16A>G (NM_001425328.1, NM_001425329.1); c.1930+16A>G (NM_001425332.1).
Identifiers: ClinVar variation 515040 (VCV000515040.1), dbSNP rs1553186633, ClinGen allele CA658795487.

ClinVar aggregate classification (germline): Likely benign (1 of 4 stars; one submission).

Submission:

GeneDx
Classification: Likely benign. Last evaluated: 2018-01-22. Review status: criteria provided, single submitter. Criteria: GeneDx Variant Classification (06012015). Collection method: clinical testing. Allele origin: germline. Affected: yes.
Comment: This variant is considered likely benign or benign based on one or more of the following criteria: it is a conservative change, it occurs at a poorly conserved position in the protein, it is predicted to be benign by multiple in silico algorithms, and/or has population frequency not consistent with disease.